The following is an entry in ClinVar:

NM_001369369.1(FOXN1):c.1799C>T (p.Pro600Leu)

Gene: FOXN1 (forkhead box N1; plus strand). Cytogenetic location: 17q11.2.
Variant type: single nucleotide variant.
Coding change: c.1799C>T on transcript NM_001369369.1 (MANE Select); coding-DNA position 1799, C replaced by T.
Protein change: p.Pro600Leu; replaces proline 600 with leucine.
Molecular consequence: missense variant.
Genome position (GRCh38, 1-based): chr17:28,537,288, C>T. VCF-style: chr17-28537288-C-T. GRCh37 (hg19) VCF-style: chr17-26864306-C-T.
Other names: c.1799C>T, p.Pro600Leu (NM_003593.3); short protein forms P600L.
Identifiers: ClinVar variation 3025858 (VCV003025858.24), dbSNP rs760813122, ClinGen allele CA8459631.
Genomic context (GRCh38, chr17:28,537,288, plus strand): 5'-GCTTCCCCCCTGGGCCCTGTCTGACAGAGACAGGCAGTGGGGCAGGTGACTTGGCAGCCC[C>T]GGGCAGTGGTGGCTCCGGGGCACTGGGTGACCTGCACCTCACCACCCTCTACTCTGCCTT-3'
Protein context (NP_001356298.1, residues 590-610): TGSGAGDLAA[Pro600Leu]GSGGSGALGD

ClinVar aggregate classification (germline): Uncertain significance. Review status: criteria provided, multiple submitters, no conflicts (2 of 4 stars). 2 submissions from 2 submitters: Uncertain significance (2). Last evaluated 2025-06-12.

Conditions:
T-cell immunodeficiency, congenital alopecia, and nail dystrophy. Also called: Congenital alopecia and nail dystrophy associated with severe functional T-cell immunodeficiency; Pignata Guarino syndrome. Identifiers: Orphanet 169095, MedGen C1866426, MONDO:0011132, OMIM 601705.

Allele frequency attached by ClinVar (database versions not stated): gnomAD 0.00001; TOPMed 0.00001; ExAC 0.00003.
gnomAD v4.1: 34 of 1,613,854 alleles (0.0021%); highest among the groups gnomAD compares: East Asian, 0.011%; no homozygotes.

Submissions (2):

Labcorp Genetics (formerly Invitae), Labcorp
Classification: Uncertain significance for T-cell immunodeficiency, congenital alopecia, and nail dystrophy. Last evaluated: 2025-06-12. Review status: criteria provided, single submitter. Criteria: Invitae Variant Classification Sherloc (09022015). Collection method: clinical testing. Allele origin: germline.
Comment: This sequence change replaces proline, which is neutral and non-polar, with leucine, which is neutral and non-polar, at codon 600 of the FOXN1 protein (p.Pro600Leu). The frequency data for this variant in the population databases is considered unreliable, as metrics indicate poor data quality at this position in the gnomAD database. This variant has not been reported in the literature in individuals affected with FOXN1-related conditions. ClinVar contains an entry for this variant (Variation ID: 3025858). Invitae Evidence Modeling of protein sequence and biophysical properties (such as structural, functional, and spatial information, amino acid conservation, physicochemical variation, residue mobility, and thermodynamic stability) indicates that this missense variant is not expected to disrupt FOXN1 protein function with a negative predictive value of 80%. In summary, the available evidence is currently insufficient to determine the role of this variant in disease. Therefore, it has been classified as a Variant of Uncertain Significance.

CeGaT Center for Human Genetics Tuebingen
Classification: Uncertain significance. Last evaluated: 2023-12-01. Review status: criteria provided, single submitter. Criteria: CeGaT Center For Human Genetics Tuebingen Variant Classification Criteria Version 2. Collection method: clinical testing. Allele origin: germline. Affected: yes. Observed: 1 variant allele.